The following is an entry in ClinVar:

ClinVar aggregate classification (germline): Pathogenic/Likely pathogenic. Review status: criteria provided, multiple submitters, no conflicts (2 of 4 stars). 2 submissions from 2 submitters: Pathogenic (1); Likely pathogenic (1). Last evaluated 2025-05-14.

Conditions:
Duchenne muscular dystrophy (DMD). Also called: Duchenne Muscular Dystrophy (DMD); MUSCULAR DYSTROPHY, PSEUDOHYPERTROPHIC PROGRESSIVE, DUCHENNE TYPE. Identifiers: Orphanet 98896, MedGen C0013264, MONDO:0010679, OMIM 310200.

Submissions (2):

Revvity Omics, Revvity
Classification: Likely pathogenic. Last evaluated: 2025-05-14. Review status: criteria provided, single submitter. Criteria: ACMG Guidelines, 2015. Collection method: clinical testing. Allele origin: germline.

Labcorp Genetics (formerly Invitae), Labcorp
Classification: Pathogenic for Duchenne muscular dystrophy. Last evaluated: 2025-03-17. Review status: criteria provided, single submitter. Criteria: Invitae Variant Classification Sherloc (09022015). Collection method: clinical testing. Allele origin: germline.
Comment: This sequence change creates a premature translational stop signal (p.Cys816Serfs*4) in the DMD gene. It is expected to result in an absent or disrupted protein product. Loss-of-function variants in DMD are known to be pathogenic (PMID: 16770791, 25007885). This variant is not present in population databases (gnomAD no frequency). This variant has not been reported in the literature in individuals affected with DMD-related conditions. For these reasons, this variant has been classified as Pathogenic.

Literature cited by the submitters: PubMed 16770791 (cited by Labcorp Genetics (formerly Invitae), Labcorp); PubMed 25007885 (cited by Labcorp Genetics (formerly Invitae), Labcorp).

NM_004006.3(DMD):c.2447del (p.Cys816fs)

Gene: DMD (dystrophin; minus strand). Cytogenetic location: Xp21.1.
Variant type: Deletion.
Coding change: c.2447del on transcript NM_004006.3 (MANE Select); coding-DNA position 2447, one base deleted (G; older notation c.2447delG).
Protein change: p.Cys816fs; shifts the reading frame from cysteine 816.
Molecular consequence: frameshift variant.
Genome position (GRCh38, 1-based): chrX:32,491,452, C deleted on the plus strand (G on the coding strand, the reverse complement: DMD is on the minus strand). VCF-style (leftmost placement, unchanged base first): chrX-32491451-GC-G. GRCh37 (hg19) VCF-style: chrX-32509568-GC-G.
Other names: c.2423del, p.Cys808fs (NM_000109.4); c.2447delG, p.Cys816Serfs (NM_004006.2); c.2435del, p.Cys812fs (NM_004009.3); c.2078del, p.Cys693fs (NM_004010.3); short protein forms C693fs, C808fs, C812fs, C816fs.
Identifiers: ClinVar variation 4081318 (VCV004081318.2).